The following is an entry in ClinVar:

NM_003640.5(ELP1):c.3636G>A (p.Pro1212=)

Gene: ELP1 (elongator acetyltransferase complex subunit 1; minus strand). Cytogenetic location: 9q31.3.
Variant type: single nucleotide variant.
Coding change: c.3636G>A on transcript NM_003640.5 (MANE Select); coding-DNA position 3636, G replaced by A.
Protein change: p.Pro1212=; no amino-acid change (proline 1212 retained).
Molecular consequence: synonymous variant.
Genome position (GRCh38, 1-based): chr9:108,878,687, C>T on the plus strand (G>A on the coding strand, the complement: ELP1 is on the minus strand). VCF-style: chr9-108878687-C-T. GRCh37 (hg19) VCF-style: chr9-111640967-C-T.
Other names: c.3294G>A, p.Pro1098= (NM_001318360.2); c.2589G>A, p.Pro863= (NM_001330749.2); c.3636G>A (LRG_251t1).
Identifiers: ClinVar variation 387789 (VCV000387789.12), dbSNP rs780520998, ClinGen allele CA5174227.
Genomic context (GRCh38, chr9:108,878,687, plus strand): 5'-CAGGTTTTCAGTGTTCTGCACCACTTCACTCAGTGCCTCCAGGAGGGCCAGGTCCTCCAG[C>T]GGACTGCCTTCTTTGAGGCTGTGCTTCTTCCGCTCCGCTTTTCGGCGATTCTTGGATGAT-3'
Protein context (NP_003631.2, residues 1202-1222): RKKHSLKEGS[Pro1212=]LEDLALLEAL

ClinVar aggregate classification (germline): Likely benign. Review status: criteria provided, multiple submitters, no conflicts (2 of 4 stars). 4 submissions from 4 submitters: Likely benign (3). 1 of the submissions does not count toward it. Last evaluated 2026-02-02.

Conditions:
Familial dysautonomia. Also called: FD; HSAN III. Identifiers: Orphanet 1764, MedGen C0013364, MONDO:0009131, OMIM 223900. Disease mechanism: loss of function.

Allele frequency attached by ClinVar (database versions not stated): gnomAD 0.00001; ExAC 0.00002; TOPMed 0.00002.
gnomAD v4.1: 43 of 1,614,022 alleles (0.0027%); highest among the groups gnomAD compares: Admixed American, 0.0033%; no homozygotes.

Submissions (4):

Labcorp Genetics (formerly Invitae), Labcorp
Classification: Likely benign. Last evaluated: 2026-02-02. Review status: criteria provided, single submitter. Criteria: Invitae Variant Classification Sherloc (09022015). Collection method: clinical testing. Allele origin: germline.

Ambry Genetics
Classification: Likely benign. Last evaluated: 2019-07-11. Review status: criteria provided, single submitter. Criteria: Ambry Variant Classification Scheme 2023. Collection method: clinical testing. Allele origin: germline.

GeneDx
Classification: Likely benign. Last evaluated: 2016-07-18. Review status: criteria provided, single submitter. Criteria: GeneDx Variant Classification (06012015). Collection method: clinical testing. Allele origin: germline. Affected: yes.
Comment: This variant is considered likely benign or benign based on one or more of the following criteria: it is a conservative change, it occurs at a poorly conserved position in the protein, it is predicted to be benign by multiple in silico algorithms, and/or has population frequency not consistent with disease.

Natera, Inc.
Classification: Likely benign for Familial dysautonomia. Last evaluated: 2018-11-04. Review status: no assertion criteria provided. Collection method: clinical testing. Allele origin: germline. Not counted in ClinVar's aggregate classification.